The following is an entry in ClinVar:

NM_001369.3(DNAH5):c.3671A>G (p.Lys1224Arg)

Genes: DNAH5 (dynein axonemal heavy chain 5; minus strand), DNAH5-AS1 (DNAH5 antisense RNA 1; plus strand). Cytogenetic location: 5p15.2.
Variant type: single nucleotide variant.
Coding change: c.3671A>G on transcript NM_001369.3 (MANE Select); coding-DNA position 3671, A replaced by G.
Protein change: p.Lys1224Arg; replaces lysine 1224 with arginine.
Molecular consequence: missense variant.
Genome position (GRCh38, 1-based): chr5:13,870,930, T>C on the plus strand (A>G on the coding strand, the complement: DNAH5 is on the minus strand). VCF-style: chr5-13870930-T-C. GRCh37 (hg19) VCF-style: chr5-13871039-T-C.
Other names: short protein forms K1224R.
Identifiers: ClinVar variation 574768 (VCV000574768.15), dbSNP rs1561476005, ClinGen allele CA359232130.

ClinVar aggregate classification (germline): Uncertain significance. Review status: criteria provided, multiple submitters, no conflicts (2 of 4 stars). 3 submissions from 3 submitters: Uncertain significance (2). 1 of the submissions does not count toward it. Last evaluated 2026-08-16.

Conditions:
Primary ciliary dyskinesia. Also called: Ciliary dyskinesia. Identifiers: Orphanet 244, MedGen C0008780, MONDO:0016575, HP:0012265.

Submissions (3):

Ambry Genetics
Classification: Uncertain significance for Primary ciliary dyskinesia. Last evaluated: 2026-08-16. Review status: criteria provided, single submitter. Criteria: Ambry Variant Classification Scheme 2023. Collection method: clinical testing. Allele origin: germline.
Comment: The p.K1224R variant (also known as c.3671A>G), located in coding exon 24 of the DNAH5 gene, results from an A to G substitution at nucleotide position 3671. The lysine at codon 1224 is replaced by arginine, an amino acid with highly similar properties. This amino acid position is conserved. In addition, this alteration is predicted to be tolerated by in silico analysis. Based on the available evidence, the clinical significance of this variant remains unclear.

Labcorp Genetics (formerly Invitae), Labcorp
Classification: Uncertain significance for Primary ciliary dyskinesia. Last evaluated: 2023-07-07. Review status: criteria provided, single submitter. Criteria: Invitae Variant Classification Sherloc (09022015). Collection method: clinical testing. Allele origin: germline.
Comment: ClinVar contains an entry for this variant (Variation ID: 574768). This variant has not been reported in the literature in individuals affected with DNAH5-related conditions. This variant is not present in population databases (gnomAD no frequency). This sequence change replaces lysine, which is basic and polar, with arginine, which is basic and polar, at codon 1224 of the DNAH5 protein (p.Lys1224Arg). Advanced modeling of protein sequence and biophysical properties (such as structural, functional, and spatial information, amino acid conservation, physicochemical variation, residue mobility, and thermodynamic stability) performed at Invitae indicates that this missense variant is not expected to disrupt DNAH5 protein function. In summary, the available evidence is currently insufficient to determine the role of this variant in disease. Therefore, it has been classified as a Variant of Uncertain Significance.

Natera, Inc.
Classification: Uncertain significance for Primary ciliary dyskinesia. Last evaluated: 2021-04-20. Review status: no assertion criteria provided. Collection method: clinical testing. Allele origin: germline. Not counted in ClinVar's aggregate classification.